The following is an entry in ClinVar:

ClinVar aggregate classification (germline): Likely pathogenic. Review status: reviewed by expert panel (3 of 4 stars). 2 submissions from 2 submitters: Likely pathogenic (1). 1 of the submissions does not count toward it. Last evaluated 2025-05-06.

Conditions:
von Willebrand disease type 2 (VWD2). Also called: VWD, TYPE 2; VON WILLEBRAND DISEASE, TYPE II; VON WILLEBRAND DISEASE, TYPE 2A/IIE; VON WILLEBRAND DISEASE, TYPE 2CB. Identifiers: Orphanet 166081, Orphanet 903, MedGen C1264040, MONDO:0013304, OMIM 613554.
Von Willebrand disease type 2A. Identifiers: Orphanet 166084, MedGen C1282968, MONDO:0015628. Inheritance: Autosomal recessive or autosomal dominant.

Submissions (2):

ClinGen von Willebrand Disease Variant Curation Expert Panel, ClinGen
Classification: Likely pathogenic for Von Willebrand disease type 2A. Last evaluated: 2025-05-06. Review status: reviewed by expert panel. Criteria: ClinGen VWD 2A B M Rules. Collection method: curation. Allele origin: germline. Inheritance: Autosomal dominant inheritance.
Comment: The NM_000552.5(VWF):c.4606_4611del (p.His1536_Val1537del) variant is predicted to cause a change in the length of the protein due to an in-frame deletion of 2 amino acids in a non-repeat region (PM4). This variant is absent from gnomAD v4.1 (PM2_Supporting). At least one patient with this variant displayed excessive mucocutaneous bleeding as well as laboratory phenotypes of very low VWF activity (VWF:RCo 6 IU/dL and VWF:GPIbM 6 IU.dL), low activity/VWF:Ag ratio (0.18), and loss of high molecular weight multimers, which together are highly specific for VWD type 2A. (PP4_moderate, PMID: 30044032). Additional consistent phenotypes were also reported in the patient including a normal platelet count. This variant has been identified as a de novo occurrence with confirmed parental relationships in 1 individual with VWD (PS2; PMID: 30044032). In summary, this variant meets the criteria to be classified as likely pathogenic for autosomal dominant VWD type 2A based on the ACMG/AMP criteria applied, as specified by the ClinGen VWD VCEP: PP4_Moderate, PS2, PM2_Supporting, PM4. (ClinGen von Willebrand Disease Expert Panel Specifications to the ACMG/AMP Variant Interpretation Guidelines for VWF Version 1.0.0)

Angelo Bianchi Bonomi Hemophilia and Thrombosis Center, Fondazione IRCCS Ca Granda Ospedale Maggiore Policlinico
Classification: Pathogenic for von Willebrand disease type 2. Last evaluated: 2022-04-26. Review status: no assertion criteria provided. Collection method: clinical testing. Allele origin: germline. Affected: yes. Not counted in ClinVar's aggregate classification.

NM_000552.5(VWF):c.4606_4611del (p.His1536_Val1537del)

Gene: VWF (von Willebrand factor; minus strand). Cytogenetic location: 12p13.31.
Variant type: Deletion.
Coding change: c.4606_4611del on transcript NM_000552.5 (MANE Select); coding-DNA positions 4606 to 4611, 6 bases deleted (CACGTC; older notation c.4606_4611delCACGTC).
Protein change: p.His1536_Val1537del.
Molecular consequence: inframe deletion.
Genome position (GRCh38, 1-based): chr12:6,018,807-6,018,812, GACGTG deleted on the plus strand (CACGTC on the coding strand, the reverse complement: VWF is on the minus strand); deleting any 6 consecutive bases within chr12:6,018,807-6,018,814 gives the same sequence; the c. name uses the placement nearest the transcript's 3' end. VCF-style (leftmost placement, unchanged base first): chr12-6018806-TGACGTG-T. GRCh37 (hg19) VCF-style: chr12-6127972-TGACGTG-T.
Other names: NM_000552.5(VWF):c.4606_4611del; p.His1536_Val1537del; c.4606_4611delCACGTC (NM_000552.5).
Identifiers: ClinVar variation 1684012 (VCV001684012.2), dbSNP rs2136412203, ClinGen allele CA2573148473.